The following is an entry in ClinVar:

NM_000742.4(CHRNA2):c.450-2A>C

Gene: CHRNA2 (cholinergic receptor nicotinic alpha 2 subunit; minus strand). Cytogenetic location: 8p21.2.
Variant type: single nucleotide variant.
Coding change: c.450-2A>C on transcript NM_000742.4 (MANE Select); the canonical splice acceptor site of the intron before coding-DNA position 450, A replaced by C.
Molecular consequence: splice acceptor variant. On other transcripts: intron variant (4).
Genome position (GRCh38, 1-based): chr8:27,463,995, T>G on the plus strand (A>C on the coding strand, the complement: CHRNA2 is on the minus strand). VCF-style: chr8-27463995-T-G. GRCh37 (hg19) VCF-style: chr8-27321512-T-G.
Other names: c.-23-7A>C (NM_001347705.2, NM_001347706.2); c.405-2A>C (NM_001282455.2); c.-12-135A>C (NM_001347708.2); c.-9-138A>C (NM_001347707.2).
Identifiers: ClinVar variation 1313732 (VCV001313732.2), dbSNP rs777966258, ClinGen allele CA4689647.

ClinVar aggregate classification (germline): Uncertain significance (1 of 4 stars; one submission).

Allele frequency attached by ClinVar (database versions not stated): gnomAD exomes below 0.00001; ExAC 0.00001.
gnomAD v4.1: 6 of 1,614,024 alleles (0.00037%); highest among the groups gnomAD compares: Non-Finnish European, 0.00042%; no homozygotes.

Submission:

GeneDx
Classification: Uncertain significance. Last evaluated: 2020-12-15. Review status: criteria provided, single submitter. Criteria: GeneDx Variant Classification Process June 2021. Collection method: clinical testing. Allele origin: germline. Affected: yes.
Comment: Not observed in large population cohorts (Lek et al., 2016); Canonical splice site variant in a gene for which loss-of-function is not a known mechanism of disease; Has not been previously published as pathogenic or benign to our knowledge